The following is an entry in ClinVar:

NM_152447.5(LRFN5):c.1221A>G (p.Thr407=)

Gene: LRFN5 (leucine rich repeat and fibronectin type III domain containing 5; plus strand). Cytogenetic location: 14q21.1.
Variant type: single nucleotide variant.
Coding change: c.1221A>G on transcript NM_152447.5 (MANE Select); coding-DNA position 1221, A replaced by G.
Protein change: p.Thr407=; no amino-acid change (threonine 407 retained).
Molecular consequence: synonymous variant. On other transcripts: non-coding transcript variant (2).
Genome position (GRCh38, 1-based): chr14:41,887,846, A>G. VCF-style: chr14-41887846-A-G. GRCh37 (hg19) VCF-style: chr14-42357049-A-G.
Other names: c.1221A>G, p.Thr407= (NM_001330106.2, NM_001346173.2, NM_001346175.2).
Identifiers: ClinVar variation 3047050 (VCV003047050.2), dbSNP rs372315722, ClinGen allele CA7165498.

ClinVar aggregate classification (germline): Likely benign (0 of 4 stars; one submission).

Conditions:
LRFN5-related disorder. Also called: LRFN5-related condition.

Allele frequency attached by ClinVar (database versions not stated): ESP Exome Variant Server 0.00038.
gnomAD v4.1: 61 of 1,613,970 alleles (0.0038%); highest among the groups gnomAD compares: African/African-American, 0.067%; no homozygotes.

Submission:

PreventionGenetics, part of Exact Sciences
Classification: Likely benign for LRFN5-related condition. Last evaluated: 2019-04-05. Review status: no assertion criteria provided. Collection method: clinical testing. Allele origin: germline.
Comment: This variant is classified as likely benign based on ACMG/AMP sequence variant interpretation guidelines (Richards et al. 2015 PMID: 25741868, with internal and published modifications).